The following is an entry in ClinVar:

ClinVar aggregate classification (germline): Uncertain significance (1 of 4 stars; one submission).

Submission:

GeneDx
Classification: Uncertain significance. Last evaluated: 2023-06-13. Review status: criteria provided, single submitter. Criteria: GeneDx Variant Classification Process June 2021. Collection method: clinical testing. Allele origin: germline. Affected: yes.
Comment: Not observed at significant frequency in large population cohorts (gnomAD); In silico analysis supports that this missense variant has a deleterious effect on protein structure/function; Has not been previously published as pathogenic or benign to our knowledge

NM_001197104.2(KMT2A):c.4354T>C (p.Cys1452Arg)

Gene: KMT2A (lysine methyltransferase 2A; plus strand). Cytogenetic location: 11q23.3.
Variant type: single nucleotide variant.
Coding change: c.4354T>C on transcript NM_001197104.2 (MANE Select); coding-DNA position 4354, T replaced by C.
Protein change: p.Cys1452Arg; replaces cysteine 1452 with arginine.
Molecular consequence: missense variant.
Genome position (GRCh38, 1-based): chr11:118,488,635, T>C. VCF-style: chr11-118488635-T-C. GRCh37 (hg19) VCF-style: chr11-118359350-T-C.
Other names: c.4453T>C, p.Cys1485Arg (NM_001412597.1); c.4354T>C, p.Cys1452Arg (NM_005933.4); short protein forms C1452R, C1485R.
Identifiers: ClinVar variation 3359821 (VCV003359821.1).
Genomic context (GRCh38, chr11:118,488,635, plus strand): 5'-TATTTGACATACTTCTATCTTCCCATGTTCTTACTATAGTTTGTGTATTGCCAAGTCTGT[T>C]GTGAGCCCTTCCACAAGTTTTGTTTAGAGGAGAACGAGCGCCCTCTGGAGGACCAGCTGG-3'
Protein context (NP_001184033.1, residues 1442-1462): HVEFVYCQVC[Cys1452Arg]EPFHKFCLEE